The following is an entry in ClinVar:

NM_182961.4(SYNE1):c.24242T>C (p.Met8081Thr)

Gene: SYNE1 (spectrin repeat containing nuclear envelope protein 1; minus strand). Cytogenetic location: 6q25.2.
Variant type: single nucleotide variant.
Coding change: c.24242T>C on transcript NM_182961.4 (MANE Select); coding-DNA position 24242, T replaced by C.
Protein change: p.Met8081Thr; replaces methionine 8081 with threonine.
Molecular consequence: missense variant.
Genome position (GRCh38, 1-based): chr6:152,152,029, A>G on the plus strand (T>C on the coding strand, the complement: SYNE1 is on the minus strand). VCF-style: chr6-152152029-A-G. GRCh37 (hg19) VCF-style: chr6-152473164-A-G.
Other names: c.848T>C, p.Met283Thr (NM_001347701.2); c.707T>C, p.Met236Thr (NM_001347702.2); c.24029T>C, p.Met8010Thr (NM_033071.5); short protein forms M236T, M283T, M8010T, M8081T.
Identifiers: ClinVar variation 1418554 (VCV001418554.6), dbSNP rs750841362, ClinGen allele CA4053235.
Genomic context (GRCh38, chr6:152,152,029, plus strand): 5'-CGCAAGATGGAGGTGACACGCTTTTGCAGGTTGTCCCATCTCTGGTTGCCTTCGTGAACC[A>G]TCTGTTTGAGGCTACATGCTGAATCAGTGCGGTTCTCCCTGGCCAGGCGGCGGTACTGCT-3'
Protein context (NP_892006.3, residues 8071-8091): RTDSACSLKQ[Met8081Thr]VHEGNQRWDN

ClinVar aggregate classification (germline): Uncertain significance (1 of 4 stars; one submission).

Conditions:
Emery-Dreifuss muscular dystrophy 4, autosomal dominant (EDMD4). Also called: EMERY-DREIFUSS MUSCULAR DYSTROPHY 4 WITH VARIABLE FEATURES. Identifiers: Orphanet 261, MedGen C2751807, MONDO:0013071, OMIM 612998.
Autosomal recessive ataxia, Beauce type. Also called: Spinocerebellar ataxia, autosomal recessive 8; ATAXIA, RECESSIVE, OF BEAUCE; SYNE1 Deficiency; SYNE1-Related Autosomal Recessive Cerebellar Ataxia. Identifiers: Orphanet 88644, MedGen C1853116, MONDO:0012549, OMIM 610743.

Allele frequency attached by ClinVar (database versions not stated): TOPMed below 0.00001; ExAC 0.00001; gnomAD exomes 0.00002.
gnomAD v4.1: 36 of 1,614,152 alleles (0.0022%); highest among the groups gnomAD compares: Non-Finnish European, 0.0029%; no homozygotes.

Submission:

Labcorp Genetics (formerly Invitae), Labcorp
Classification: Uncertain significance for Emery-Dreifuss muscular dystrophy 4, autosomal dominant; Autosomal recessive ataxia, Beauce type. Last evaluated: 2021-08-27. Review status: criteria provided, single submitter. Criteria: Invitae Variant Classification Sherloc (09022015). Collection method: clinical testing. Allele origin: germline.
Comment: In summary, the available evidence is currently insufficient to determine the role of this variant in disease. Therefore, it has been classified as a Variant of Uncertain Significance. This sequence change replaces methionine with threonine at codon 8010 of the SYNE1 protein (p.Met8010Thr). The methionine residue is highly conserved and there is a moderate physicochemical difference between methionine and threonine. Algorithms developed to predict the effect of missense changes on protein structure and function (SIFT, PolyPhen-2, Align-GVGD) all suggest that this variant is likely to be tolerated. This variant has not been reported in the literature in individuals affected with SYNE1-related conditions. This variant is present in population databases (rs750841362, ExAC 0.006%).